The following is an entry in ClinVar:

NM_000062.3(SERPING1):c.1049C>T (p.Ser350Phe)

Gene: SERPING1 (serpin family G member 1; plus strand). Cytogenetic location: 11q12.1.
Variant type: single nucleotide variant.
Coding change: c.1049C>T on transcript NM_000062.3 (MANE Select); coding-DNA position 1049, C replaced by T.
Protein change: p.Ser350Phe; replaces serine 350 with phenylalanine.
Molecular consequence: missense variant.
Genome position (GRCh38, 1-based): chr11:57,611,736, C>T. VCF-style: chr11-57611736-C-T. GRCh37 (hg19) VCF-style: chr11-57379209-C-T.
Other names: c.1049C>T, p.Ser350Phe (NM_001032295.2); short protein forms S350F.
Identifiers: ClinVar variation 1473863 (VCV001473863.6), dbSNP rs369960628, ClinGen allele CA6008219.

ClinVar aggregate classification (germline): Uncertain significance (1 of 4 stars; one submission).

Allele frequency attached by ClinVar (database versions not stated): gnomAD exomes 0.00001; ExAC 0.00002; ESP Exome Variant Server 0.00008.
gnomAD v4.1: 14 of 1,614,140 alleles (0.00087%); highest among the groups gnomAD compares: Non-Finnish European, 0.0012%; no homozygotes.

Submission:

Labcorp Genetics (formerly Invitae), Labcorp
Classification: Uncertain significance. Last evaluated: 2024-10-21. Review status: criteria provided, single submitter. Criteria: Invitae Variant Classification Sherloc (09022015). Collection method: clinical testing. Allele origin: germline.
Comment: This sequence change replaces serine, which is neutral and polar, with phenylalanine, which is neutral and non-polar, at codon 350 of the SERPING1 protein (p.Ser350Phe). This variant is present in population databases (rs369960628, gnomAD 0.003%). This variant has not been reported in the literature in individuals affected with SERPING1-related conditions. ClinVar contains an entry for this variant (Variation ID: 1473863). Invitae Evidence Modeling of protein sequence and biophysical properties (such as structural, functional, and spatial information, amino acid conservation, physicochemical variation, residue mobility, and thermodynamic stability) has been performed for this missense variant. However, the output from this modeling did not meet the statistical confidence thresholds required to predict the impact of this variant on SERPING1 protein function. In summary, the available evidence is currently insufficient to determine the role of this variant in disease. Therefore, it has been classified as a Variant of Uncertain Significance.